The following is an entry in ClinVar:

ClinVar aggregate classification (germline): Uncertain significance. Review status: criteria provided, multiple submitters, no conflicts (2 of 4 stars). 3 submissions from 3 submitters: Uncertain significance (3). Last evaluated 2025-11-21.

Conditions:
Cardiovascular phenotype. Identifiers: MedGen CN230736.
Arrhythmogenic right ventricular dysplasia 12. Also called: ARRHYTHMOGENIC RIGHT VENTRICULAR DYSPLASIA, FAMILIAL, 12. Identifiers: MedGen C1969081, MONDO:0012684, OMIM 611528.
Naxos disease (NXD). Also called: CARDIOMYOPATHY, ARRHYTHMOGENIC RIGHT VENTRICULAR, WITH SKIN, HAIR, AND NAIL ABNORMALITIES; KERATOSIS PALMOPLANTARIS WITH ARRHYTHMOGENIC CARDIOMYOPATHY; MAL DE NAXOS; PALMOPLANTAR KERATODERMA WITH ARRHYTHMOGENIC RIGHT VENTRICULAR CARDIOMYOPATHY AND WOOLLY HAIR; WOOLLY HAIR, PALMOPLANTAR KERATODERMA, AND CARDIAC ABNORMALITIES. Identifiers: Orphanet 34217, MedGen C1832600, MONDO:0011017, OMIM 601214.

Allele frequency attached by ClinVar (database versions not stated): ExAC 0.00001; gnomAD 0.00001; gnomAD exomes 0.00001; TOPMed 0.00001.
gnomAD v4.1: 5 of 1,613,296 alleles (0.00031%); highest among the groups gnomAD compares: African/African-American, 0.0013%; no homozygotes.

Submissions (3):

Labcorp Genetics (formerly Invitae), Labcorp
Classification: Uncertain significance for Arrhythmogenic right ventricular dysplasia 12; Naxos disease. Last evaluated: 2025-11-21. Review status: criteria provided, single submitter. Criteria: Invitae Variant Classification Sherloc (09022015). Collection method: clinical testing. Allele origin: germline.
Comment: This sequence change replaces arginine, which is basic and polar, with cysteine, which is neutral and slightly polar, at codon 265 of the JUP protein (p.Arg265Cys). The frequency data for this variant in the population databases is considered unreliable, as metrics indicate poor data quality at this position in the gnomAD database. This variant has not been reported in the literature in individuals affected with JUP-related conditions. ClinVar contains an entry for this variant (Variation ID: 1198665). An algorithm developed to predict the effect of missense changes on protein structure and function (PolyPhen-2) suggests that this variant is likely to be disruptive. In summary, the available evidence is currently insufficient to determine the role of this variant in disease. Therefore, it has been classified as a Variant of Uncertain Significance.

GeneDx
Classification: Uncertain significance. Last evaluated: 2025-09-11. Review status: criteria provided, single submitter. Criteria: GeneDx Variant Classification Process June 2021. Collection method: clinical testing. Allele origin: germline. Affected: yes.
Comment: Has not been previously published as pathogenic or benign to our knowledge; Not observed at significant frequency in large population cohorts (gnomAD); In silico analysis supports that this missense variant has a deleterious effect on protein structure/function

Ambry Genetics
Classification: Uncertain significance for Cardiovascular phenotype. Last evaluated: 2022-12-29. Review status: criteria provided, single submitter. Criteria: Ambry Variant Classification Scheme 2023. Collection method: clinical testing. Allele origin: germline.
Comment: The p.R265C variant (also known as c.793C>T), located in coding exon 4 of the JUP gene, results from a C to T substitution at nucleotide position 793. The arginine at codon 265 is replaced by cysteine, an amino acid with highly dissimilar properties. This amino acid position is highly conserved in available vertebrate species. In addition, this alteration is predicted to be deleterious by in silico analysis. Since supporting evidence is limited at this time, the clinical significance of this alteration remains unclear.

NM_002230.4(JUP):c.793C>T (p.Arg265Cys)

Gene: JUP (junction plakoglobin; minus strand). Cytogenetic location: 17q21.2.
Variant type: single nucleotide variant.
Coding change: c.793C>T on transcript NM_002230.4 (MANE Select); coding-DNA position 793, C replaced by T.
Protein change: p.Arg265Cys; replaces arginine 265 with cysteine.
Molecular consequence: missense variant.
Genome position (GRCh38, 1-based): chr17:41,767,495, G>A on the plus strand (C>T on the coding strand, the complement: JUP is on the minus strand). VCF-style: chr17-41767495-G-A. GRCh37 (hg19) VCF-style: chr17-39923747-G-A.
Other names: c.793C>T, p.Arg265Cys (NM_001352773.2, NM_001352774.2, NM_001352775.2 and 3 more transcripts); short protein forms R265C.
Identifiers: ClinVar variation 1198665 (VCV001198665.6), dbSNP rs782761197, ClinGen allele CA8565379.